The following is an entry in ClinVar:

ClinVar aggregate classification (germline): Pathogenic (1 of 4 stars; one submission).

Conditions:
Marfan syndrome (MFS). Also called: MARFAN SYNDROME, TYPE I; Marfan syndrome type 1; Marfan's syndrome; Marfan syndrome, classic; FBN1-Related Marfan Syndrome. Identifiers: Orphanet 284963, Orphanet 558, MedGen C0024796, MONDO:0007947, OMIM 154700.
Familial thoracic aortic aneurysm and aortic dissection (TAAD). Also called: Thoracic aortic aneurysms and dissections. Identifiers: Orphanet 91387, MedGen C4707243, MONDO:0019625.

Submission:

Labcorp Genetics (formerly Invitae), Labcorp
Classification: Pathogenic for Marfan syndrome; Familial thoracic aortic aneurysm and aortic dissection. Last evaluated: 2023-12-09. Review status: criteria provided, single submitter. Criteria: Invitae Variant Classification Sherloc (09022015). Collection method: clinical testing. Allele origin: germline.
Comment: This sequence change creates a premature translational stop signal (p.Thr526Glnfs*53) in the FBN1 gene. It is expected to result in an absent or disrupted protein product. Loss-of-function variants in FBN1 are known to be pathogenic (PMID: 17657824, 19293843). This variant is not present in population databases (gnomAD no frequency). This premature translational stop signal has been observed in individual(s) with clinical features of Marfan syndrome (PMID: 27906200, 35058154). For these reasons, this variant has been classified as Pathogenic.

Literature cited by the submitters: PubMed 17657824; PubMed 19293843; PubMed 27906200; PubMed 35058154.

NM_000138.5(FBN1):c.1576del (p.Thr526fs)

Gene: FBN1 (fibrillin 1; minus strand). Cytogenetic location: 15q21.1.
Variant type: Deletion.
Coding change: c.1576del on transcript NM_000138.5 (MANE Select); coding-DNA position 1576, one base deleted (A; older notation c.1576delA).
Protein change: p.Thr526fs; shifts the reading frame from threonine 526.
Molecular consequence: frameshift variant.
Genome position (GRCh38, 1-based): chr15:48,513,561, T deleted on the plus strand (A on the coding strand, the reverse complement: FBN1 is on the minus strand). VCF-style (leftmost placement, unchanged base first): chr15-48513560-GT-G. GRCh37 (hg19) VCF-style: chr15-48805757-GT-G.
Other names: c.1576del, p.Thr526fs (NM_001406716.1); short protein forms T526fs.
Identifiers: ClinVar variation 2954530 (VCV002954530.3), dbSNP rs2505613485, ClinGen allele CA2740096672.